The following is an entry in ClinVar:

ClinVar aggregate classification (germline): Pathogenic/Likely pathogenic. Review status: criteria provided, multiple submitters, no conflicts (2 of 4 stars). 3 submissions from 3 submitters: Pathogenic (2); Likely pathogenic (1). Last evaluated 2024-05-08.

Conditions:
Polycystic kidney disease 4 (PKD4). Also called: Autosomal Recessive Polycystic Kidney Disease – PKHD1; POLYCYSTIC KIDNEY AND HEPATIC DISEASE 1; POLYCYSTIC KIDNEY DISEASE, INFANTILE, TYPE I; PKD3; POLYCYSTIC KIDNEY DISEASE 4 WITH OR WITHOUT POLYCYSTIC LIVER DISEASE. Identifiers: MedGen C4540575, MONDO:0033004, OMIM 263200.
Autosomal recessive polycystic kidney disease (ARPKD). Also called: AR polycystic kidney disease. Identifiers: Orphanet 731, Orphanet 8378, MedGen C0085548, MeSH D017044, MONDO:0009889.

gnomAD v4.1: 1 of 1,613,328 alleles (0.000062%); highest among the groups gnomAD compares: Non-Finnish European, 0.000085%; no homozygotes.

Submissions (3):

Myriad Genetics, Inc.
Classification: Pathogenic for Polycystic kidney disease 4. Last evaluated: 2024-05-08. Review status: criteria provided, single submitter. Criteria: Myriad Autosomal Dominant, Autosomal Recessive and X-Linked Classification Criteria (2023). Collection method: clinical testing. Allele origin: unknown.
Comment: NM_138694.3(PKHD1):c.2563C>T(Q855*) is expected to be pathogenic in the context of autosomal recessive polycystic kidney disease, PKHD1-related. This variant is predicted to lead to an abnormal or absent protein product due to the creation of a premature termination codon in PKHD1, a gene where loss-of-function variants are known to be pathogenic. Please note: this variant was assessed in the context of healthy population screening.

Natera, Inc.
Classification: Likely pathogenic for Autosomal recessive polycystic kidney disease. Last evaluated: 2024-02-23. Review status: criteria provided, single submitter. Criteria: Natera Variant Classification Schema (03/2026). Collection method: clinical testing. Allele origin: germline.
Comment: The c.2563C>T variant in PKHD1 is a nonsense variant predicted to introduce a stop codon at amino acid 855. This variant is expected to result in nonsense mediated decay, truncation, or a dysfunctional protein product. This variant is rare in the general population with a frequency below the threshold expected for the associated phenotype(s). Given the available evidence, this variant is classified as Likely Pathogenic.

Labcorp Genetics (formerly Invitae), Labcorp
Classification: Pathogenic for Autosomal recessive polycystic kidney disease. Last evaluated: 2019-11-18. Review status: criteria provided, single submitter. Criteria: Invitae Variant Classification Sherloc (09022015). Collection method: clinical testing. Allele origin: germline.
Comment: For these reasons, this variant has been classified as Pathogenic. Loss-of-function variants in PKHD1 are known to be pathogenic (PMID: 19940839). This variant has not been reported in the literature in individuals with PKHD1-related conditions. This variant is not present in population databases (ExAC no frequency). This sequence change creates a premature translational stop signal (p.Gln855*) in the PKHD1 gene. It is expected to result in an absent or disrupted protein product.

Literature cited by the submitters: PubMed 19940839 (cited by Labcorp Genetics (formerly Invitae), Labcorp).

NM_138694.4(PKHD1):c.2563C>T (p.Gln855Ter)

Gene: PKHD1 (PKHD1 ciliary IPT domain containing fibrocystin/polyductin; minus strand). Cytogenetic location: 6p12.2.
Variant type: single nucleotide variant.
Coding change: c.2563C>T on transcript NM_138694.4 (MANE Select); coding-DNA position 2563, C replaced by T.
Protein change: p.Gln855Ter; replaces glutamine 855 with a stop codon.
Molecular consequence: nonsense.
Genome position (GRCh38, 1-based): chr6:52,046,033, G>A on the plus strand (C>T on the coding strand, the complement: PKHD1 is on the minus strand). VCF-style: chr6-52046033-G-A. GRCh37 (hg19) VCF-style: chr6-51910831-G-A.
Other names: c.2563C>T, p.Gln855Ter (NM_170724.3); short protein forms Q855*.
Identifiers: ClinVar variation 842435 (VCV000842435.10), dbSNP rs1805754682, ClinGen allele CA364443076.